The following is an entry in ClinVar:

NM_001082486.1(ACD):c.20G>A (p.Ser7Asn)

Gene: ACD (ACD shelterin complex subunit and telomerase recruitment factor; minus strand). Cytogenetic location: 16q22.1.
Variant type: single nucleotide variant.
Coding change: c.20G>A on transcript NM_001082486.1; coding-DNA position 20, G replaced by A.
Protein change: p.Ser7Asn; replaces serine 7 with asparagine.
Genome position (GRCh38, 1-based): chr16:67,660,459, C>T on the plus strand (G>A on the coding strand, the complement: ACD is on the minus strand). VCF-style: chr16-67660459-C-T. GRCh37 (hg19) VCF-style: chr16-67694362-C-T.
Other names: short protein forms S7N.
Identifiers: ClinVar variation 3232660 (VCV003232660.1), dbSNP rs373593390, ClinGen allele CA396360267.

ClinVar aggregate classification (germline): Uncertain significance (1 of 4 stars; one submission).

Conditions:
Inborn genetic diseases. Identifiers: MedGen C0950123, MeSH D030342.

Submission:

Ambry Genetics
Classification: Uncertain significance for Inborn genetic diseases. Last evaluated: 2023-12-15. Review status: criteria provided, single submitter. Criteria: Ambry Variant Classification Scheme 2023. Collection method: clinical testing. Allele origin: germline.
Comment: The p.S7N variant (also known as c.20G>A), located in coding exon 1 of the ACD gene, results from a G to A substitution at nucleotide position 20. The serine at codon 7 is replaced by asparagine, an amino acid with highly similar properties. This amino acid position is conserved. In addition, this alteration is predicted to be tolerated by in silico analysis. Since supporting evidence is limited at this time, the clinical significance of this alteration remains unclear.